The following is an entry in ClinVar:

ClinVar aggregate classification (germline): Uncertain significance (1 of 4 stars; one submission).

Conditions:
Pheochromocytoma. Also called: MAX-Related Hereditary Paraganglioma-Pheochromocytoma Syndrome. Identifiers: Orphanet 29072, MedGen C0031511, MONDO:0008233, OMIM 171300, HP:0002666.
Pheochromocytoma/paraganglioma syndrome 4. Also called: PHEOCHROMOCYTOMA, FAMILIAL EXTRAADRENAL; CAROTID BODY TUMORS AND MULTIPLE EXTRAADRENAL PHEOCHROMOCYTOMAS; PARAGANGLIOMA, FAMILIAL MALIGNANT; PARAGANGLIOMAS, HEREDITARY EXTRAADRENAL; Paragangliomas 4; SDHB-Related Hereditary Paraganglioma-Pheochromocytoma Syndrome (Paragangliomas 4). Identifiers: Orphanet 29072, MedGen C1861848, MONDO:0007273, OMIM 115310.
Gastrointestinal stromal tumor. Also called: Gastrointestinal stromal tumor, somatic; Gastrointestinal stroma tumor. Identifiers: Orphanet 44890, MedGen C0238198, MeSH D046152, MONDO:0011719, OMIM 606764, HP:0100723.

Submission:

Labcorp Genetics (formerly Invitae), Labcorp
Classification: Uncertain significance for Gastrointestinal stromal tumor; Pheochromocytoma/paraganglioma syndrome 4; Pheochromocytoma. Last evaluated: 2021-01-29. Review status: criteria provided, single submitter. Criteria: Invitae Variant Classification Sherloc (09022015). Collection method: clinical testing. Allele origin: germline.
Comment: Experimental studies and prediction algorithms are not available or were not evaluated, and the functional significance of this variant is currently unknown. In summary, the available evidence is currently insufficient to determine the role of this variant in disease. Therefore, it has been classified as a Variant of Uncertain Significance. This variant has not been reported in the literature in individuals with SDHB-related conditions. The frequency data for this variant in the population databases is not available, as this variant may be reported as separate entries in the ExAC database. This sequence change replaces proline with threonine at codon 37 of the SDHB protein (p.Pro37Thr). The proline residue is moderately conserved and there is a small physicochemical difference between proline and threonine.

NM_003000.3(SDHB):c.108_109delinsAA (p.Pro37Thr)

Gene: SDHB (succinate dehydrogenase complex iron sulfur subunit B; minus strand). Cytogenetic location: 1p36.13.
Variant type: Indel.
Coding change: c.108_109delinsAA on transcript NM_003000.3 (MANE Select); coding-DNA positions 108 to 109, TC replaced by AA.
Protein change: p.Pro37Thr; replaces proline 37 with threonine.
Molecular consequence: missense variant.
Genome position (GRCh38, 1-based): chr1:17,044,852-17,044,853, GA replaced by TT on the plus strand (TC replaced by AA on the coding strand, the reverse complement: SDHB is on the minus strand). VCF-style: chr1-17044852-GA-TT. GRCh37 (hg19) VCF-style: chr1-17371347-GA-TT.
Other names: short protein forms P37T.
Identifiers: ClinVar variation 1505305 (VCV001505305.6), dbSNP rs2101541552, ClinGen allele CA2573130758.